The following is an entry in ClinVar:

NM_002025.4(AFF2):c.189A>C (p.Lys63Asn)

Gene: AFF2 (ALF transcription elongation factor 2; plus strand). Cytogenetic location: Xq28.
Variant type: single nucleotide variant.
Coding change: c.189A>C on transcript NM_002025.4 (MANE Select); coding-DNA position 189, A replaced by C.
Protein change: p.Lys63Asn; replaces lysine 63 with asparagine.
Molecular consequence: missense variant.
Genome position (GRCh38, 1-based): chrX:148,661,916, A>C. VCF-style: chrX-148661916-A-C. GRCh37 (hg19) VCF-style: chrX-147743437-A-C.
Other names: c.177A>C, p.Lys59Asn (NM_001169122.2, NM_001169123.2, NM_001169125.2); c.189A>C, p.Lys63Asn (NM_001169124.2); short protein forms K59N, K63N.
Identifiers: ClinVar variation 3375798 (VCV003375798.1).

ClinVar aggregate classification (germline): Uncertain significance (1 of 4 stars; one submission).

gnomAD v4.1: 3 of 1,194,125 alleles (0.00025%); highest among the groups gnomAD compares: Non-Finnish European, 0.00034%; no homozygotes.

Submission:

GeneDx
Classification: Uncertain significance. Last evaluated: 2024-05-07. Review status: criteria provided, single submitter. Criteria: GeneDx Variant Classification Process June 2021. Collection method: clinical testing. Allele origin: germline. Affected: yes.
Comment: Not observed at significant frequency in large population cohorts (gnomAD); In silico analysis supports that this missense variant has a deleterious effect on protein structure/function; Has not been previously published as pathogenic or benign to our knowledge